The following is an entry in ClinVar:

NM_001372066.1(TFAP2A):c.890-215_890-213del

Gene: TFAP2A (transcription factor AP-2 alpha; minus strand). Cytogenetic location: 6p24.3.
Variant type: Microsatellite.
Coding change: c.890-215_890-213del on transcript NM_001372066.1 (MANE Select); 215 bases into the intron before coding-DNA position 890 through 213 bases into the intron before coding-DNA position 890, 3 bases deleted (CTT; older notation c.890-215_890-213delCTT).
Molecular consequence: intron variant.
Genome position (GRCh38, 1-based): chr6:10,400,802-10,400,804, AAG deleted on the plus strand (CTT on the coding strand, the reverse complement: TFAP2A is on the minus strand); deleting any 3 consecutive bases within chr6:10,400,802-10,400,808 gives the same sequence; the c. name uses the placement nearest the transcript's 3' end. VCF-style (leftmost placement, unchanged base first): chr6-10400801-CAAG-C. GRCh37 (hg19) VCF-style: chr6-10401034-CAAG-C.
Other names: c.872-215_872-213del (NM_001042425.3); c.866-215_866-213del (NM_001032280.3).
Identifiers: ClinVar variation 1282680 (VCV001282680.1), dbSNP rs34396413, ClinGen allele CA3631187.

ClinVar aggregate classification (germline): Benign (1 of 4 stars; one submission).

Submission:

GeneDx
Classification: Benign. Last evaluated: 2018-07-31. Review status: criteria provided, single submitter. Criteria: GeneDx Variant Classification Process June 2021. Collection method: clinical testing. Allele origin: germline. Affected: yes.
Comment: This variant is associated with the following publications: (PMID: 31020390)